The following is an entry in ClinVar:

ClinVar aggregate classification (germline): Likely benign. Review status: criteria provided, multiple submitters, no conflicts (2 of 4 stars). 4 submissions from 4 submitters: Likely benign (4). Last evaluated 2026-04-01.

Conditions:
PLEC-related disorder. Also called: PLEC-related disorders; PLEC-related condition.
Autosomal recessive limb-girdle muscular dystrophy type 2Q (LGMDR17). Also called: MUSCULAR DYSTROPHY, LIMB-GIRDLE, AUTOSOMAL RECESSIVE 17. Identifiers: Orphanet 254361, MedGen C3150989, MONDO:0013390, OMIM 613723.
Epidermolysis bullosa simplex 5B, with muscular dystrophy (EBS5B). Also called: Epidermolysis bullosa simplex with muscular dystrophy; EPIDERMOLYSIS BULLOSA SIMPLEX AND LIMB-GIRDLE MUSCULAR DYSTROPHY. Identifiers: Orphanet 257, MedGen C2931072, MONDO:0009181, OMIM 226670.
Epidermolysis bullosa simplex 5C, with pyloric atresia (EBS5C). Also called: PLEC1-Related Epidermolysis Bullosa with Pyloric Atresia; PLEC-Related Epidermolysis Bullosa with Pyloric Atresia; Epidermolysis bullosa simplex with pyloric atresia. Identifiers: Orphanet 158684, MedGen C2677349, MONDO:0012807, OMIM 612138.
Epidermolysis bullosa simplex, Ogna type (EBS5A). Also called: Pidermolysis bullosa simplex 5A, Ogna type; EPIDERMOLYSIS BULLOSA SIMPLEX 5A, OGNA TYPE. Identifiers: Orphanet 79401, MedGen C0432317, MONDO:0007555, OMIM 131950.
Epidermolysis bullosa simplex with nail dystrophy (EBS5D). Identifiers: MedGen C4225309, MONDO:0014661, OMIM 616487.

Allele frequency attached by ClinVar (database versions not stated): TOPMed 0.00001; ExAC 0.00006.
gnomAD v4.1: 49 of 1,613,286 alleles (0.003%); highest among the groups gnomAD compares: Admixed American, 0.032%; no homozygotes.

Submissions (4):

CeGaT Center for Human Genetics Tuebingen
Classification: Likely benign. Last evaluated: 2026-04-01. Review status: criteria provided, single submitter. Criteria: CeGaT Center For Human Genetics Tuebingen Variant Classification Criteria Version 2. Collection method: clinical testing. Allele origin: germline. Affected: yes. Observed: 1 variant allele.
Comment: PLEC: BP4, BP7

Labcorp Genetics (formerly Invitae), Labcorp
Classification: Likely benign for Autosomal recessive limb-girdle muscular dystrophy type 2Q; Epidermolysis bullosa simplex, Ogna type; Epidermolysis bullosa simplex with nail dystrophy; Epidermolysis bullosa simplex 5C, with pyloric atresia; Epidermolysis bullosa simplex 5B, with muscular dystrophy. Last evaluated: 2025-09-14. Review status: criteria provided, single submitter. Criteria: Invitae Variant Classification Sherloc (09022015). Collection method: clinical testing. Allele origin: germline.

PreventionGenetics, part of Exact Sciences
Classification: Likely benign for PLEC-related condition. Last evaluated: 2024-11-25. Review status: criteria provided, single submitter. Criteria: ACMG Guidelines, 2015. Collection method: clinical testing. Allele origin: germline.
Comment: This variant is classified as likely benign based on ACMG/AMP sequence variant interpretation guidelines (Richards et al. 2015 PMID: 25741868, with internal and published modifications).

Blueprint Genetics
Classification: Likely benign. Last evaluated: 2024-06-07. Review status: criteria provided, single submitter. Criteria: ACMG Guidelines, 2015. Collection method: clinical testing. Allele origin: germline.

NM_201384.3(PLEC):c.8673C>T (p.Gly2891=)

Gene: PLEC (plectin; minus strand). Cytogenetic location: 8q24.3.
Variant type: single nucleotide variant.
Coding change: c.8673C>T on transcript NM_201384.3 (MANE Select); coding-DNA position 8673, C replaced by T.
Protein change: p.Gly2891=; no amino-acid change (glycine 2891 retained).
Molecular consequence: synonymous variant.
Genome position (GRCh38, 1-based): chr8:143,921,148, G>A on the plus strand (C>T on the coding strand, the complement: PLEC is on the minus strand). VCF-style: chr8-143921148-G-A. GRCh37 (hg19) VCF-style: chr8-144995316-G-A.
Other names: c.8754C>T, p.Gly2918= (NM_000445.5); c.8631C>T, p.Gly2877= (NM_201378.4); c.8607C>T, p.Gly2869= (NM_201379.3); c.9084C>T, p.Gly3028= (NM_201380.4); c.8577C>T, p.Gly2859= (NM_201381.3); c.8673C>T, p.Gly2891= (NM_201382.4); c.8685C>T, p.Gly2895= (NM_201383.3).
Identifiers: ClinVar variation 964980 (VCV000964980.10), dbSNP rs782370134, ClinGen allele CA4925222.
Genomic context (GRCh38, chr8:143,921,148, plus strand): 5'-AGACACGGTGGCCTTCTCAAAGACGTCCCGGGCCTCGGAGTCAGTGTAGACCAGCTCCCC[G>A]CCCTTGGCAGCCTTATCCGTGAGTGGCAGAAGGCACAGGCCCGTCTCGGGGTCCTCCACG-3'
Protein context (NP_958786.1, residues 2881-2901): LLPLTDKAAK[Gly2891=]GELVYTDSEA